The following is an entry in ClinVar:

NM_014159.7(SETD2):c.5689A>C (p.Thr1897Pro)

Gene: SETD2 (SET domain containing 2, histone lysine methyltransferase; minus strand). Cytogenetic location: 3p21.31.
Variant type: single nucleotide variant.
Coding change: c.5689A>C on transcript NM_014159.7 (MANE Select); coding-DNA position 5689, A replaced by C.
Protein change: p.Thr1897Pro; replaces threonine 1897 with proline.
Molecular consequence: missense variant. On other transcripts: non-coding transcript variant (1).
Genome position (GRCh38, 1-based): chr3:47,084,091, T>G on the plus strand (A>C on the coding strand, the complement: SETD2 is on the minus strand). VCF-style: chr3-47084091-T-G. GRCh37 (hg19) VCF-style: chr3-47125581-T-G.
Other names: c.5557A>C, p.Thr1853Pro (NM_001349370.3); short protein forms T1853P, T1897P.
Identifiers: ClinVar variation 840298 (VCV000840298.24), dbSNP rs376263588, ClinGen allele CA73812876.
Genomic context (GRCh38, chr3:47,084,091, plus strand): 5'-CAGGGACATTTTCTAATTGATCAAGATCCTCTTTGCCATCCTTGCCTTCTAGCTCACTGG[T>G]TGCATCAGAGATTGCACTGTCCATGCTATTTTCACTTATAATTTTCAGTCTGCGAAACAT-3'
Protein context (NP_054878.5, residues 1887-1907): NSMDSAISDA[Thr1897Pro]SELEGKDGKE

ClinVar aggregate classification (germline): Uncertain significance. Review status: criteria provided, multiple submitters, no conflicts (2 of 4 stars). 2 submissions from 2 submitters: Uncertain significance (2). Last evaluated 2024-05-01.

Conditions:
Luscan-Lumish syndrome. Identifiers: Orphanet 597738, MedGen C4085873, MONDO:0014791, OMIM 616831.

Allele frequency attached by ClinVar (database versions not stated): gnomAD exomes 0.00003 and 0.00008; TOPMed 0.00006; ESP Exome Variant Server 0.00008; gnomAD 0.00009.
gnomAD v4.1: 138 of 1,614,116 alleles (0.0085%); highest among the groups gnomAD compares: Non-Finnish European, 0.011%; 1 homozygote.

Submissions (2):

CeGaT Center for Human Genetics Tuebingen
Classification: Uncertain significance. Last evaluated: 2024-05-01. Review status: criteria provided, single submitter. Criteria: CeGaT Center For Human Genetics Tuebingen Variant Classification Criteria Version 2. Collection method: clinical testing. Allele origin: germline. Affected: yes. Observed: 1 variant allele.

Labcorp Genetics (formerly Invitae), Labcorp
Classification: Uncertain significance for Luscan-Lumish syndrome. Last evaluated: 2020-03-11. Review status: criteria provided, single submitter. Criteria: Invitae Variant Classification Sherloc (09022015). Collection method: clinical testing. Allele origin: germline.
Comment: Algorithms developed to predict the effect of missense changes on protein structure and function are either unavailable or do not agree on the potential impact of this missense change (SIFT: "Tolerated"; PolyPhen-2: "Possibly Damaging"; Align-GVGD: "Class C0"). In summary, the available evidence is currently insufficient to determine the role of this variant in disease. Therefore, it has been classified as a Variant of Uncertain Significance. This variant has not been reported in the literature in individuals with SETD2-related conditions. This sequence change replaces threonine with proline at codon 1897 of the SETD2 protein (p.Thr1897Pro). The threonine residue is moderately conserved and there is a small physicochemical difference between threonine and proline. This variant is not present in population databases (ExAC no frequency).